The following is an entry in ClinVar:

ClinVar aggregate classification (germline): Uncertain significance (1 of 4 stars; one submission).

Conditions:
Cardiovascular phenotype. Identifiers: MedGen CN230736.

Allele frequency attached by ClinVar (database versions not stated): gnomAD exomes below 0.00001; ExAC 0.00001.
gnomAD v4.1: 1 of 1,614,114 alleles (0.000062%); highest among the groups gnomAD compares: East Asian, 0.0022%; no homozygotes.

Submission:

Ambry Genetics
Classification: Uncertain significance for Cardiovascular phenotype. Last evaluated: 2021-12-20. Review status: criteria provided, single submitter. Criteria: Ambry Variant Classification Scheme 2023. Collection method: clinical testing. Allele origin: germline.
Comment: The p.T633I variant (also known as c.1898C>T), located in coding exon 14 of the LAMA4 gene, results from a C to T substitution at nucleotide position 1898. The threonine at codon 633 is replaced by isoleucine, an amino acid with similar properties. This amino acid position is conserved. In addition, this alteration is predicted to be tolerated by in silico analysis. Since supporting evidence is limited at this time, the clinical significance of this alteration remains unclear.

NM_001105206.3(LAMA4):c.1919C>T (p.Thr640Ile)

Gene: LAMA4 (laminin subunit alpha 4; minus strand). Cytogenetic location: 6q21.
Variant type: single nucleotide variant.
Coding change: c.1919C>T on transcript NM_001105206.3 (MANE Select); coding-DNA position 1919, C replaced by T.
Protein change: p.Thr640Ile; replaces threonine 640 with isoleucine.
Molecular consequence: missense variant.
Genome position (GRCh38, 1-based): chr6:112,155,605, G>A on the plus strand (C>T on the coding strand, the complement: LAMA4 is on the minus strand). VCF-style: chr6-112155605-G-A. GRCh37 (hg19) VCF-style: chr6-112476807-G-A.
Other names: c.1898C>T, p.Thr633Ile (NM_001105207.3, NM_002290.5); short protein forms T640I, T633I.
Identifiers: ClinVar variation 1782203 (VCV001782203.2), dbSNP rs782121800, ClinGen allele CA3965638.